The following is an entry in ClinVar:

NM_001298.3(CNGA3):c.2051G>A (p.Gly684Glu)

Gene: CNGA3 (cyclic nucleotide gated channel subunit alpha 3; plus strand). Cytogenetic location: 2q11.2.
Variant type: single nucleotide variant.
Coding change: c.2051G>A on transcript NM_001298.3 (MANE Select); coding-DNA position 2051, G replaced by A.
Protein change: p.Gly684Glu; replaces glycine 684 with glutamic acid.
Molecular consequence: missense variant.
Genome position (GRCh38, 1-based): chr2:98,397,221, G>A. VCF-style: chr2-98397221-G-A. GRCh37 (hg19) VCF-style: chr2-99013684-G-A.
Other names: c.1997G>A, p.Gly666Glu (NM_001079878.2); c.2051G>A (NM_001298.2); short protein forms G666E, G684E.
Identifiers: ClinVar variation 998855 (VCV000998855.8), dbSNP rs755545093, ClinGen allele CA1794139.
Genomic context (GRCh38, chr2:98,397,221, plus strand): 5'-AACTGGAAAGCCAGGTGAAGGGTGGTGGGGACAAGCCCCTGGCTGATGGGGAAGTTCCCG[G>A]GGATGCTACAAAAACAGAGGACAAACAACAGTGAAAATGCAGCATCTGTCTCCTGCTTCA-3'
Protein context (NP_001289.1, residues 674-694): DKPLADGEVP[Gly684Glu]DATKTEDKQQ

ClinVar aggregate classification (germline): Uncertain significance. Review status: criteria provided, multiple submitters, no conflicts (2 of 4 stars). 2 submissions from 2 submitters: Uncertain significance (2). Last evaluated 2023-12-11.

Conditions:
Inborn genetic diseases. Identifiers: MedGen C0950123, MeSH D030342.

Allele frequency attached by ClinVar (database versions not stated): gnomAD exomes 0.00001; ExAC 0.00002; TOPMed 0.00003; gnomAD 0.00004.
gnomAD v4.1: 49 of 1,613,832 alleles (0.003%); highest among the groups gnomAD compares: Middle Eastern, 0.016%; no homozygotes.

Submissions (2):

Labcorp Genetics (formerly Invitae), Labcorp
Classification: Uncertain significance. Last evaluated: 2023-12-11. Review status: criteria provided, single submitter. Criteria: Invitae Variant Classification Sherloc (09022015). Collection method: clinical testing. Allele origin: germline.
Comment: This sequence change replaces glycine, which is neutral and non-polar, with glutamic acid, which is acidic and polar, at codon 684 of the CNGA3 protein (p.Gly684Glu). This variant is present in population databases (rs755545093, gnomAD 0.003%). This variant has not been reported in the literature in individuals affected with CNGA3-related conditions. ClinVar contains an entry for this variant (Variation ID: 998855). Advanced modeling of protein sequence and biophysical properties (such as structural, functional, and spatial information, amino acid conservation, physicochemical variation, residue mobility, and thermodynamic stability) performed at Invitae indicates that this missense variant is not expected to disrupt CNGA3 protein function with a negative predictive value of 95%. In summary, the available evidence is currently insufficient to determine the role of this variant in disease. Therefore, it has been classified as a Variant of Uncertain Significance.

Ambry Genetics
Classification: Uncertain significance for Inborn genetic diseases. Last evaluated: 2023-05-05. Review status: criteria provided, single submitter. Criteria: Ambry Variant Classification Scheme 2023. Collection method: clinical testing. Allele origin: germline.